The following is an entry in ClinVar:

NM_199420.4(POLQ):c.2842T>G (p.Tyr948Asp)

Gene: POLQ (DNA polymerase theta; minus strand). Cytogenetic location: 3q13.33.
Variant type: single nucleotide variant.
Coding change: c.2842T>G on transcript NM_199420.4 (MANE Select); coding-DNA position 2842, T replaced by G.
Protein change: p.Tyr948Asp; replaces tyrosine 948 with aspartic acid.
Molecular consequence: missense variant.
Genome position (GRCh38, 1-based): chr3:121,490,089, A>C on the plus strand (T>G on the coding strand, the complement: POLQ is on the minus strand). VCF-style: chr3-121490089-A-C. GRCh37 (hg19) VCF-style: chr3-121208936-A-C.
Other names: short protein forms Y948D.
Identifiers: ClinVar variation 3422401 (VCV003422401.1).

ClinVar aggregate classification (germline): Uncertain significance (1 of 4 stars; one submission).

gnomAD v4.1: 1 of 1,592,624 alleles (0.000063%); highest among the groups gnomAD compares: Non-Finnish European, 0.000086%; no homozygotes.

Submission:

Ambry Genetics
Classification: Uncertain significance. Last evaluated: 2024-08-05. Review status: criteria provided, single submitter. Criteria: Ambry Variant Classification Scheme 2023. Collection method: clinical testing. Allele origin: germline.
Comment: The p.Y948D variant (also known as c.2842T>G), located in coding exon 16 of the POLQ gene, results from a T to G substitution at nucleotide position 2842. The tyrosine at codon 948 is replaced by aspartic acid, an amino acid with highly dissimilar properties. This amino acid position is conserved. In addition, this alteration is predicted to be tolerated by in silico analysis. Based on the available evidence, the clinical significance of this variant remains unclear.